The following is an entry in ClinVar:

ClinVar aggregate classification (germline): Likely benign (0 of 4 stars; one submission).

Conditions:
SEMA3C-related disorder. Also called: SEMA3C-related condition.

Allele frequency attached by ClinVar (database versions not stated): gnomAD exomes below 0.00001; ExAC 0.00001; gnomAD 0.00001; TOPMed 0.00002; ESP Exome Variant Server 0.00008.
gnomAD v4.1: 8 of 1,571,134 alleles (0.00051%); highest among the groups gnomAD compares: African/African-American, 0.0068%; no homozygotes.

Submission:

PreventionGenetics, part of Exact Sciences
Classification: Likely benign for SEMA3C-related condition. Last evaluated: 2023-05-23. Review status: no assertion criteria provided. Collection method: clinical testing. Allele origin: germline.
Comment: This variant is classified as likely benign based on ACMG/AMP sequence variant interpretation guidelines (Richards et al. 2015 PMID: 25741868, with internal and published modifications).

NM_006379.5(SEMA3C):c.539-8T>C

Gene: SEMA3C (semaphorin 3C; minus strand). Cytogenetic location: 7q21.11.
Variant type: single nucleotide variant.
Coding change: c.539-8T>C on transcript NM_006379.5 (MANE Select); 8 bases into the intron before coding-DNA position 539, T replaced by C.
Molecular consequence: intron variant.
Genome position (GRCh38, 1-based): chr7:80,805,766, A>G on the plus strand (T>C on the coding strand, the complement: SEMA3C is on the minus strand). VCF-style: chr7-80805766-A-G. GRCh37 (hg19) VCF-style: chr7-80435082-A-G.
Other names: c.593-8T>C (NM_001350120.2); c.365-8T>C (NM_001350121.2).
Identifiers: ClinVar variation 3061675 (VCV003061675.2), dbSNP rs376086416, ClinGen allele CA4316392.